The following is an entry in ClinVar:

NM_001173464.2(KIF21A):c.2310+10A>G

Gene: KIF21A (kinesin family member 21A; minus strand). Cytogenetic location: 12q12.
Variant type: single nucleotide variant.
Coding change: c.2310+10A>G on transcript NM_001173464.2 (MANE Select); 10 bases into the intron after coding-DNA position 2310, A replaced by G.
Molecular consequence: intron variant.
Genome position (GRCh38, 1-based): chr12:39,340,155, T>C on the plus strand (A>G on the coding strand, the complement: KIF21A is on the minus strand). VCF-style: chr12-39340155-T-C. GRCh37 (hg19) VCF-style: chr12-39733957-T-C.
Other names: c.2271+10A>G (NM_001173465.2, NM_001173463.2, NM_017641.4).
Identifiers: ClinVar variation 308573 (VCV000308573.5), dbSNP rs201113357, ClinGen allele CA6510847.

ClinVar aggregate classification (germline): Benign (1 of 4 stars; one submission).

Conditions:
Congenital fibrosis of extraocular muscles type 1. Also called: CFEOM3B; BLEPHAROPTOSIS WITH ABSENT EYE MOVEMENTS; OPHTHALMOPLEGIA, CONGENITAL; FEOM1 LOCUS. Identifiers: MedGen C1851102, MONDO:0021083, OMIM 135700.

Allele frequency attached by ClinVar (database versions not stated): gnomAD 0.00005 and 0.00003; 1000 Genomes Project 30x 0.00031; TOPMed 0.00003; 1000 Genomes Project 0.00020.
gnomAD v4.1: 79 of 1,604,058 alleles (0.0049%); highest among the groups gnomAD compares: East Asian, 0.17%; no homozygotes.

Submission:

Illumina Laboratory Services, Illumina
Classification: Benign for Congenital fibrosis of extraocular muscles type 1. Last evaluated: 2018-01-13. Review status: criteria provided, single submitter. Criteria: ICSL Variant Classification Criteria 13 December 2019. Collection method: clinical testing. Allele origin: germline.
Comment: This variant was observed in the ICSL laboratory as part of a predisposition screen in an ostensibly healthy population. It had not been previously curated by ICSL or reported in the Human Gene Mutation Database (HGMD: prior to June 1st, 2018), and was therefore a candidate for classification through an automated scoring system. Utilizing variant allele frequency, disease prevalence and penetrance estimates, and inheritance mode, an automated score was calculated to assess if this variant is too frequent to cause the disease. Based on the score and internal cut-off values, a variant classified as benign is not then subjected to further curation. The score for this variant resulted in a classification of benign for this disease.